The following is an entry in ClinVar:

NM_007035.4(KERA):c.334del (p.Ile112fs)

Gene: KERA (keratocan; minus strand). Cytogenetic location: 12q21.33.
Variant type: Deletion.
Coding change: c.334del on transcript NM_007035.4 (MANE Select); coding-DNA position 334, one base deleted (A; older notation c.334delA).
Protein change: p.Ile112fs; shifts the reading frame from isoleucine 112.
Molecular consequence: frameshift variant.
Genome position (GRCh38, 1-based): chr12:91,055,948, T deleted on the plus strand (A on the coding strand, the reverse complement: KERA is on the minus strand); the first of 2 consecutive T bases (chr12:91,055,948-91,055,949); deleting either gives the same sequence. VCF-style (leftmost placement, unchanged base first): chr12-91055947-AT-A. GRCh37 (hg19) VCF-style: chr12-91449724-AT-A.
Other names: short protein forms I112fs.
Identifiers: ClinVar variation 4854291 (VCV004854291.1), dbSNP rs1878990367.

ClinVar aggregate classification (germline): Likely pathogenic (1 of 4 stars; one submission).

Conditions:
Cornea plana 2 (CNA2). Also called: CORNEA PLANA 2, AUTOSOMAL RECESSIVE. Identifiers: Orphanet 53691, MedGen C1857574, MONDO:0009014, OMIM 217300.

Submission:

3billion
Classification: Likely pathogenic for Cornea plana 2. Last evaluated: 2025-12-30. Review status: criteria provided, single submitter. Criteria: ACMG Guidelines, 2015. Collection method: clinical testing. Allele origin: germline. Affected: yes.
Comment: The variant is not observed in the gnomAD v4.1.0 dataset. Predicted Consequence/Location: Frameshift: predicted to result in a loss or disruption of normal protein function through nonsense-mediated decay (NMD) or protein truncation. Multiple pathogenic variants are reported downstream of the variant. Therefore, this variant is classified as Likely pathogenic according to the recommendation of ACMG/AMP guideline.